The following is an entry in ClinVar:

NM_030662.4(MAP2K2):c.834C>G (p.Ile278Met)

Gene: MAP2K2 (mitogen-activated protein kinase kinase 2; minus strand). Cytogenetic location: 19p13.3.
Variant type: single nucleotide variant.
Coding change: c.834C>G on transcript NM_030662.4 (MANE Select); coding-DNA position 834, C replaced by G.
Protein change: p.Ile278Met; replaces isoleucine 278 with methionine.
Molecular consequence: missense variant.
Genome position (GRCh38, 1-based): chr19:4,099,286, G>C on the plus strand (C>G on the coding strand, the complement: MAP2K2 is on the minus strand). VCF-style: chr19-4099286-G-C. GRCh37 (hg19) VCF-style: chr19-4099284-G-C.
Other names: short protein forms I278M.
Identifiers: ClinVar variation 372632 (VCV000372632.10), dbSNP rs766540227, ClinGen allele CA16043108.

ClinVar aggregate classification (germline): Uncertain significance. Review status: criteria provided, multiple submitters, no conflicts (2 of 4 stars). 2 submissions from 2 submitters: Uncertain significance (2). Last evaluated 2024-02-20.

Conditions:
RASopathy. Also called: Noonan spectrum disorder; rasopathies. Identifiers: Orphanet 536391, MedGen C5555857, MONDO:0021060.

Submissions (2):

Labcorp Genetics (formerly Invitae), Labcorp
Classification: Uncertain significance for RASopathy. Last evaluated: 2024-02-20. Review status: criteria provided, single submitter. Criteria: Invitae Variant Classification Sherloc (09022015). Collection method: clinical testing. Allele origin: germline.
Comment: This sequence change replaces isoleucine, which is neutral and non-polar, with methionine, which is neutral and non-polar, at codon 278 of the MAP2K2 protein (p.Ile278Met). This variant is not present in population databases (gnomAD no frequency). This variant has not been reported in the literature in individuals affected with MAP2K2-related conditions. ClinVar contains an entry for this variant (Variation ID: 372632). Advanced modeling performed at Invitae incorporating data from internal and/or published experimental studies (Invitae) indicates that this missense variant is not expected to disrupt MAP2K2 function with a negative predictive value of 95%. In summary, the available evidence is currently insufficient to determine the role of this variant in disease. Therefore, it has been classified as a Variant of Uncertain Significance.

GeneDx
Classification: Uncertain significance. Last evaluated: 2015-05-26. Review status: criteria provided, single submitter. Criteria: GeneDx Variant Classification (06012015). Collection method: clinical testing. Allele origin: germline. Affected: yes.
Comment: The I278M variant has not been published as a pathogenic, nor has it been reported as a benign polymorphism to our knowledge. It was not observed in approximately 6,500 individuals of European and African American ancestry in the NHLBI Exome Sequencing Project, indicating it is not a common benign variant in these populations. The I278M variant is a conservative amino acid substitution, which is not likely to impact secondary protein structure as these residues share similar properties. Additionally, this substitution occurs at a position that is not conserved across species. However, a missense variant in a nearby residue (K273R) has been reported in the Human Gene Mutation Database in association with Cardio-Facio-Cutaneous (CFC) syndrome (Stenson et al., 2009), and in silico analysis is inconsistent in its predictions as to whether or not the variant is damaging to the protein structure/function. Therefore, based on the currently available information, it is unclear whether this variant is a pathogenic variant or a rare benign variant.